The following is an entry in ClinVar:

NM_021942.6(TRAPPC11):c.1207+1G>C

Gene: TRAPPC11 (trafficking protein particle complex subunit 11; plus strand). Cytogenetic location: 4q35.1.
Variant type: single nucleotide variant.
Coding change: c.1207+1G>C on transcript NM_021942.6 (MANE Select); the canonical splice donor site of the intron after coding-DNA position 1207, G replaced by C.
Molecular consequence: splice donor variant.
Genome position (GRCh38, 1-based): chr4:183,682,826, G>C. VCF-style: chr4-183682826-G-C. GRCh37 (hg19) VCF-style: chr4-184603979-G-C.
Other names: c.1207+1G>C (NM_199053.3).
Identifiers: ClinVar variation 959757 (VCV000959757.8), dbSNP rs1735767573, ClinGen allele CA358864755.

ClinVar aggregate classification (germline): Likely pathogenic (1 of 4 stars; one submission).

Conditions:
Autosomal recessive limb-girdle muscular dystrophy type R18 (LGMDR18). Also called: MUSCULAR DYSTROPHY, LIMB-GIRDLE, AUTOSOMAL RECESSIVE 18; Autosomal recessive limb-girdle muscular dystrophy type 2S; Limb-girdle muscular dystrophy, type 2S. Identifiers: Orphanet 369840, MedGen C4517996, MONDO:0014144, OMIM 615356.

Allele frequency attached by ClinVar (database versions not stated): gnomAD exomes below 0.00001.
gnomAD v4.1: 1 of 1,607,322 alleles (0.000062%); highest among the groups gnomAD compares: Non-Finnish European, 0.000085%; no homozygotes.

Submission:

Labcorp Genetics (formerly Invitae), Labcorp
Classification: Likely pathogenic for Autosomal recessive limb-girdle muscular dystrophy type R18. Last evaluated: 2022-07-25. Review status: criteria provided, single submitter. Criteria: Invitae Variant Classification Sherloc (09022015). Collection method: clinical testing. Allele origin: germline.
Comment: Algorithms developed to predict the effect of sequence changes on RNA splicing suggest that this variant may disrupt the consensus splice site. In summary, the currently available evidence indicates that the variant is pathogenic, but additional data are needed to prove that conclusively. Therefore, this variant has been classified as Likely Pathogenic. ClinVar contains an entry for this variant (Variation ID: 959757). This variant has not been reported in the literature in individuals affected with TRAPPC11-related conditions. This variant is not present in population databases (gnomAD no frequency). This sequence change affects a donor splice site in intron 11 of the TRAPPC11 gene. It is expected to disrupt RNA splicing. Variants that disrupt the donor or acceptor splice site typically lead to a loss of protein function (PMID: 16199547), and loss-of-function variants in TRAPPC11 are known to be pathogenic (PMID: 23830518, 26322222).

Literature cited by the submitters: PubMed 16199547; PubMed 23830518; PubMed 26322222.